The following is an entry in ClinVar:

NM_014989.7(RIMS1):c.2633C>T (p.Pro878Leu)

Gene: RIMS1 (regulating synaptic membrane exocytosis 1; plus strand). Cytogenetic location: 6q13.
Variant type: single nucleotide variant.
Coding change: c.2633C>T on transcript NM_014989.7 (MANE Select); coding-DNA position 2633, C replaced by T.
Protein change: p.Pro878Leu; replaces proline 878 with leucine.
Molecular consequence: missense variant.
Genome position (GRCh38, 1-based): chr6:72,251,303, C>T. VCF-style: chr6-72251303-C-T. GRCh37 (hg19) VCF-style: chr6-72961006-C-T.
Other names: c.1055C>T, p.Pro352Leu (NM_001168407.2, NM_001168408.2, NM_001350414.2 and 37 more transcripts); c.812C>T, p.Pro271Leu (NM_001168409.2, NM_001350461.2, NM_001350463.2 and 6 more transcripts); c.1010C>T, p.Pro337Leu (NM_001168410.2, NM_001350470.2, NM_001350472.2 and 2 more transcripts); c.986C>T, p.Pro329Leu (NM_001350421.2, NM_001350424.2, NM_001350428.2 and 6 more transcripts); short protein forms P878L, P329L, P337L, P271L, P352L.
Identifiers: ClinVar variation 954017 (VCV000954017.9), dbSNP rs2073191481, ClinGen allele CA364680346.

ClinVar aggregate classification (germline): Uncertain significance (1 of 4 stars; one submission).

gnomAD v4.1: 3 of 1,600,750 alleles (0.00019%); highest among the groups gnomAD compares: Non-Finnish European, 0.00026%; no homozygotes.

Submission:

Labcorp Genetics (formerly Invitae), Labcorp
Classification: Uncertain significance. Last evaluated: 2022-02-03. Review status: criteria provided, single submitter. Criteria: Invitae Variant Classification Sherloc (09022015). Collection method: clinical testing. Allele origin: germline.
Comment: This variant is not present in population databases (gnomAD no frequency). In summary, the available evidence is currently insufficient to determine the role of this variant in disease. Therefore, it has been classified as a Variant of Uncertain Significance. Algorithms developed to predict the effect of missense changes on protein structure and function are either unavailable or do not agree on the potential impact of this missense change (SIFT: "Deleterious"; PolyPhen-2: "Probably Damaging"; Align-GVGD: "Class C0"). ClinVar contains an entry for this variant (Variation ID: 954017). This missense change has been observed in individual(s) with RIMS1-related conditions (PMID: 28191889). This sequence change replaces proline, which is neutral and non-polar, with leucine, which is neutral and non-polar, at codon 878 of the RIMS1 protein (p.Pro878Leu).

Literature cited by the submitters: PubMed 28191889.